The following is an entry in ClinVar:

ClinVar aggregate classification (germline): Uncertain significance (1 of 4 stars; one submission).

Conditions:
PLXNA3-related disorder. Also called: PLXNA3-related condition.

gnomAD v4.1: 7 of 1,211,405 alleles (0.00058%); highest among the groups gnomAD compares: South Asian, 0.0035%; no homozygotes.

Submission:

PreventionGenetics, part of Exact Sciences
Classification: Uncertain significance for PLXNA3-related condition. Last evaluated: 2026-09-09. Review status: criteria provided, single submitter. Criteria: ACMG Guidelines, 2015. Collection method: clinical testing. Allele origin: germline.
Comment: The PLXNA3 c.1858C>T variant is predicted to result in the amino acid substitution p.Leu620Phe. To our knowledge, this variant has not been reported in the literature. This variant is reported in 0.0052% of alleles in individuals of South Asian descent in gnomAD. At this time, the clinical significance of this variant is uncertain due to the absence of conclusive functional and genetic evidence.

NM_017514.5(PLXNA3):c.1858C>T (p.Leu620Phe)

Gene: PLXNA3 (plexin A3; plus strand). Cytogenetic location: Xq28.
Variant type: single nucleotide variant.
Coding change: c.1858C>T on transcript NM_017514.5 (MANE Select); coding-DNA position 1858, C replaced by T.
Protein change: p.Leu620Phe; replaces leucine 620 with phenylalanine.
Molecular consequence: missense variant.
Genome position (GRCh38, 1-based): chrX:154,464,431, C>T. VCF-style: chrX-154464431-C-T. GRCh37 (hg19) VCF-style: chrX-153692774-C-T.
Other names: short protein forms L620F.
Identifiers: ClinVar variation 4988414 (VCV004988414.1).
Genomic context (GRCh38, chrX:154,464,431, plus strand): 5'-CGAGTTCACGGCCACCCCGGGACTGCTGCAGGGGCCACCCGCACTGTGCGGCTGCAGCTT[C>T]TCTCCAAGGAGACAGGCGTGAGGTTTGCCGGTGCTGACTTTGTCTTCTACAACTGCAGCG-3'
Protein context (NP_059984.3, residues 610-630): GATRTVRLQL[Leu620Phe]SKETGVRFAG